The following is an entry in ClinVar:

ClinVar aggregate classification (germline): Uncertain significance. Review status: criteria provided, multiple submitters, no conflicts (2 of 4 stars). 4 submissions from 4 submitters: Uncertain significance (4). Last evaluated 2024-09-19.

Conditions:
Fanconi anemia complementation group E (FANCE). Also called: FANCE-Related Fanconi Anemia. Identifiers: Orphanet 84, MedGen C3160739, MONDO:0010953, OMIM 600901.

Allele frequency attached by ClinVar (database versions not stated): gnomAD exomes 0.00001; TOPMed 0.00001.
gnomAD v4.1: 3 of 1,613,860 alleles (0.00019%); highest among the groups gnomAD compares: Admixed American, 0.0017%; no homozygotes.

Submissions (4):

Labcorp Genetics (formerly Invitae), Labcorp
Classification: Uncertain significance for Fanconi anemia complementation group E. Last evaluated: 2024-09-19. Review status: criteria provided, single submitter. Criteria: Invitae Variant Classification Sherloc (09022015). Collection method: clinical testing. Allele origin: germline.
Comment: This sequence change replaces leucine, which is neutral and non-polar, with phenylalanine, which is neutral and non-polar, at codon 288 of the FANCE protein (p.Leu288Phe). This variant is present in population databases (no rsID available, gnomAD 0.003%). This variant has not been reported in the literature in individuals affected with FANCE-related conditions. ClinVar contains an entry for this variant (Variation ID: 356448). Invitae Evidence Modeling of protein sequence and biophysical properties (such as structural, functional, and spatial information, amino acid conservation, physicochemical variation, residue mobility, and thermodynamic stability) has been performed for this missense variant. However, the output from this modeling did not meet the statistical confidence thresholds required to predict the impact of this variant on FANCE protein function. In summary, the available evidence is currently insufficient to determine the role of this variant in disease. Therefore, it has been classified as a Variant of Uncertain Significance.

GeneDx
Classification: Uncertain significance. Last evaluated: 2022-07-01. Review status: criteria provided, single submitter. Criteria: GeneDx Variant Classification Process June 2021. Collection method: clinical testing. Allele origin: germline. Affected: yes.
Comment: Not observed at significant frequency in large population cohorts (gnomAD); In silico analysis supports that this missense variant does not alter protein structure/function; Has not been previously published as pathogenic or benign to our knowledge

Fulgent Genetics
Classification: Uncertain significance for Fanconi anemia complementation group E. Last evaluated: 2022-03-01. Review status: criteria provided, single submitter. Criteria: ACMG Guidelines, 2015. Collection method: clinical testing. Allele origin: unknown.

Illumina Laboratory Services, Illumina
Classification: Uncertain significance for Fanconi anemia complementation group E. Last evaluated: 2018-01-13. Review status: criteria provided, single submitter. Criteria: ICSL Variant Classification Criteria 13 December 2019. Collection method: clinical testing. Allele origin: germline.

NM_021922.3(FANCE):c.862C>T (p.Leu288Phe)

Gene: FANCE (FA complementation group E; plus strand). Cytogenetic location: 6p21.31.
Variant type: single nucleotide variant.
Coding change: c.862C>T on transcript NM_021922.3 (MANE Select); coding-DNA position 862, C replaced by T.
Protein change: p.Leu288Phe; replaces leucine 288 with phenylalanine.
Molecular consequence: missense variant.
Genome position (GRCh38, 1-based): chr6:35,457,562, C>T. VCF-style: chr6-35457562-C-T. GRCh37 (hg19) VCF-style: chr6-35425339-C-T.
Other names: short protein forms L288F.
Identifiers: ClinVar variation 356448 (VCV000356448.10), dbSNP rs886061329, ClinGen allele CA10626513.